The following is an entry in ClinVar:

NM_000255.4(MMUT):c.1898T>G (p.Val633Gly)

Gene: MMUT (methylmalonyl-CoA mutase; minus strand). Cytogenetic location: 6p12.3.
Variant type: single nucleotide variant.
Coding change: c.1898T>G on transcript NM_000255.4 (MANE Select); coding-DNA position 1898, T replaced by G.
Protein change: p.Val633Gly; replaces valine 633 with glycine.
Molecular consequence: missense variant.
Genome position (GRCh38, 1-based): chr6:49,440,264, A>C on the plus strand (T>G on the coding strand, the complement: MMUT is on the minus strand). VCF-style: chr6-49440264-A-C. GRCh37 (hg19) VCF-style: chr6-49407977-A-C.
Other names: short protein forms V633G.
Identifiers: ClinVar variation 449393 (VCV000449393.16), dbSNP rs200055428, ClinGen allele CA138795032.
Genomic context (GRCh38, chr6:49,440,264, plus strand): 5'-ACCTGGAAAAGAGGGCCTATGTCCACATCAAAACCAAGATCAGCAAATCCTGTAGCAATA[A>C]CTTTTGCTCCTCTGTCATGGCCATCTTGTCCCATTTTTGCTACAAGAAGACGAGGTCTGC-3'
Protein context (NP_000246.2, residues 623-643): GQDGHDRGAK[Val633Gly]IATGFADLGF

ClinVar aggregate classification (germline): Conflicting classifications of pathogenicity. Review status: criteria provided, conflicting classifications (1 of 4 stars). 4 submissions from 4 submitters: Pathogenic (3); Uncertain significance (1). Last evaluated 2026-01-14.

Conditions:
Methylmalonic aciduria due to complete methylmalonyl-CoA mutase deficiency.
Methylmalonic aciduria due to methylmalonyl-CoA mutase deficiency (MAMM). Also called: Methylmalonic aciduria, mut type. Identifiers: Orphanet 27, MedGen C1855114, MONDO:0009612, OMIM 251000.

Allele frequency attached by ClinVar (database versions not stated): gnomAD exomes below 0.00001; gnomAD 0.00001; TOPMed 0.00001.
gnomAD v4.1: 3 of 1,613,950 alleles (0.00019%); highest among the groups gnomAD compares: Non-Finnish European, 0.00025%; no homozygotes.

Submissions (4):

Labcorp Genetics (formerly Invitae), Labcorp
Classification: Pathogenic. Last evaluated: 2026-01-14. Review status: criteria provided, single submitter. Criteria: Invitae Variant Classification Sherloc (09022015). Collection method: clinical testing. Allele origin: germline.
Comment: This sequence change replaces valine, which is neutral and non-polar, with glycine, which is neutral and non-polar, at codon 633 of the MUT protein (p.Val633Gly). This variant is present in population databases (rs200055428, gnomAD 0.0009%). This missense change has been observed in individual(s) with methylmalonic aciduria (PMID: 9554742, 16281286, 17113806, 30577886). ClinVar contains an entry for this variant (Variation ID: 449393). Invitae Evidence Modeling of protein sequence and biophysical properties (such as structural, functional, and spatial information, amino acid conservation, physicochemical variation, residue mobility, and thermodynamic stability) indicates that this missense variant is expected to disrupt MUT protein function with a positive predictive value of 95%. Experimental studies have shown that this missense change affects MUT function (PMID: 25125334). Algorithms developed to predict the effect of sequence changes on RNA splicing suggest that this variant may disrupt the consensus splice site. For these reasons, this variant has been classified as Pathogenic.

Natera, Inc.
Classification: Pathogenic for Methylmalonic aciduria due to complete methylmalonyl-CoA mutase deficiency. Last evaluated: 2025-07-23. Review status: criteria provided, single submitter. Criteria: Natera Variant Classification Schema (03/2026). Collection method: clinical testing. Allele origin: germline.
Comment: The c.1898T>G variant in MMUT is a missense variant predicted to cause substitution of valine to glycine at amino acid 633. This variant is rare in the general population with a frequency below the threshold expected for the associated phenotype(s). This variant has been observed in one or more individuals affected with the associated recessive disease, as either homozygous or compound heterozygous with a second variant (PMID: 27167370, 16281286). Computational prediction algorithms indicate this variant is likely to affect gene or protein function. Given the available evidence, this variant is classified as Pathogenic.

Myriad Genetics, Inc.
Classification: Uncertain significance for Methylmalonic aciduria due to methylmalonyl-CoA mutase deficiency. Last evaluated: 2021-11-16. Review status: criteria provided, single submitter. Criteria: Myriad Women's Health Autosomal Recessive and X-Linked Classification Criteria (2021). Collection method: clinical testing. Allele origin: unknown.
Comment: NM_000255.3(MMUT):c.1898T>G(V633G) is a missense variant classified as a variant of uncertain significance in the context of methylmalonic acidemia, MMUT-related. V633G has been observed in cases with relevant disease (PMID: 16281286, 27167370, 30577886). Functional assessments of this variant are available in the literature (PMID: 25125334, 27167370). V633G has been observed in population frequency databases (gnomAD: NFE 0.001%). In summary, there is insufficient evidence to classify NM_000255.3(MMUT):c.1898T>G(V633G) as pathogenic or benign. Please note: this variant was assessed in the context of healthy population screening.

GeneDx
Classification: Pathogenic. Last evaluated: 2018-05-17. Review status: criteria provided, single submitter. Criteria: GeneDx Variant Classification (06012015). Collection method: clinical testing. Allele origin: germline. Affected: yes.
Comment: The V633G missense variant in the MUT gene has been reported previously in association with methylmalonic acidemia in individuals who were heterozygous for V633G and second variant in the MUT gene (Adjalla et al., 1998; Worgan et al., 2006; Lempp et al., 2007). Functional analysis of V633G found that is is associated with residual enzyme activity, but significantly reduced affinity for cobalamin (Forny et al., 2014). Additionally, the V633G variant is not observed in large population cohorts (Lek et al., 2016; 1000 Genomes Consortium et al., 2015; Exome Variant Server). Therefore, we interpret V633G to be a pathogenic variant.

Literature cited by the submitters: PubMed 9554742 (cited by Labcorp Genetics (formerly Invitae), Labcorp); PubMed 16281286 (cited by 3 submitters); PubMed 17113806 (cited by Labcorp Genetics (formerly Invitae), Labcorp); PubMed 30577886 (cited by Labcorp Genetics (formerly Invitae), Labcorp and Myriad Genetics, Inc.); PubMed 25125334 (cited by Labcorp Genetics (formerly Invitae), Labcorp and Myriad Genetics, Inc.); PubMed 27167370 (cited by Natera, Inc. and Myriad Genetics, Inc.).